The following is an entry in ClinVar:

ClinVar aggregate classification (germline): Uncertain significance (1 of 4 stars; one submission).

Allele frequency attached by ClinVar (database versions not stated): gnomAD exomes below 0.00001.
gnomAD v4.1: 1 of 1,550,268 alleles (0.000065%); highest among the groups gnomAD compares: Non-Finnish European, 0.000087%; no homozygotes.

Submission:

Labcorp Genetics (formerly Invitae), Labcorp
Classification: Uncertain significance. Last evaluated: 2022-08-17. Review status: criteria provided, single submitter. Criteria: Invitae Variant Classification Sherloc (09022015). Collection method: clinical testing. Allele origin: germline.
Comment: This variant has not been reported in the literature in individuals affected with ZNF469-related conditions. In summary, the available evidence is currently insufficient to determine the role of this variant in disease. Therefore, it has been classified as a Variant of Uncertain Significance. Algorithms developed to predict the effect of missense changes on protein structure and function (SIFT, PolyPhen-2, Align-GVGD) all suggest that this variant is likely to be tolerated. This variant is not present in population databases (gnomAD no frequency). This sequence change replaces serine, which is neutral and polar, with alanine, which is neutral and non-polar, at codon 2742 of the ZNF469 protein (p.Ser2742Ala).

NM_001367624.2(ZNF469):c.8308T>G (p.Ser2770Ala)

Gene: ZNF469 (zinc finger protein 469; plus strand). Cytogenetic location: 16q24.2.
Variant type: single nucleotide variant.
Coding change: c.8308T>G on transcript NM_001367624.2 (MANE Select); coding-DNA position 8308, T replaced by G.
Protein change: p.Ser2770Ala; replaces serine 2770 with alanine.
Molecular consequence: missense variant.
Genome position (GRCh38, 1-based): chr16:88,435,778, T>G. VCF-style: chr16-88435778-T-G. GRCh37 (hg19) VCF-style: chr16-88502186-T-G.
Other names: short protein forms S2770A.
Identifiers: ClinVar variation 1716630 (VCV001716630.5), dbSNP rs2507599204, ClinGen allele CA397117307.
Genomic context (GRCh38, chr16:88,435,778, plus strand): 5'-GCCTCGGCAAGGGGGTTCTGGGGACCAAGAGAGACCAAGGCGTTGGGTGTGTGCAAAGAG[T>G]CTGGGAGCGAGCCTGCGGAGGACAGCAGCAGGGCCCACAGCCGATCAGAGGAAGGTGTCT-3'
Protein context (NP_001354553.1, residues 2760-2780): ETKALGVCKE[Ser2770Ala]GSEPAEDSSR